The following is an entry in ClinVar:

ClinVar aggregate classification (germline): Pathogenic (1 of 4 stars; one submission).

Conditions:
Autism spectrum disorder - epilepsy - arthrogryposis syndrome (AMRS). Identifiers: Orphanet 370943, MedGen C3809910, MONDO:0014248, OMIM 615553.

Submission:

Labcorp Genetics (formerly Invitae), Labcorp
Classification: Pathogenic for Autism spectrum disorder - epilepsy - arthrogryposis syndrome. Last evaluated: 2022-03-06. Review status: criteria provided, single submitter. Criteria: Invitae Variant Classification Sherloc (09022015). Collection method: clinical testing. Allele origin: germline.
Comment: For these reasons, this variant has been classified as Pathogenic. This variant has not been reported in the literature in individuals affected with SLC35A3-related conditions. This variant is not present in population databases (gnomAD no frequency). This sequence change creates a premature translational stop signal (p.Ile262Leufs*8) in the SLC35A3 gene. It is expected to result in an absent or disrupted protein product. Loss-of-function variants in SLC35A3 are known to be pathogenic (PMID: 24031089, 28328131).

Literature cited by the submitters: PubMed 24031089; PubMed 28328131.

NM_012243.3(SLC35A3):c.783del (p.Ile262fs)

Gene: SLC35A3 (solute carrier family 35 member A3; plus strand). Cytogenetic location: 1p21.2.
Variant type: Deletion.
Coding change: c.783del on transcript NM_012243.3 (MANE Select); coding-DNA position 783, one base deleted (T; older notation c.783delT).
Protein change: p.Ile262fs; shifts the reading frame from isoleucine 262.
Molecular consequence: frameshift variant. On other transcripts: intron variant (1).
Genome position (GRCh38, 1-based): chr1:100,017,711, T deleted; the last of 2 consecutive T bases (chr1:100,017,710-100,017,711); deleting either gives the same sequence. VCF-style (leftmost placement, unchanged base first): chr1-100017709-GT-G. GRCh37 (hg19) VCF-style: chr1-100483265-GT-G.
Other names: c.909del, p.Ile304fs (NM_001271685.2); c.635-4675del (NM_001271684.2); short protein forms I304fs, I262fs.
Identifiers: ClinVar variation 2103148 (VCV002103148.4), dbSNP rs2524628081, ClinGen allele CA2580060668.